The following is an entry in ClinVar:

ClinVar aggregate classification (germline): Likely pathogenic (1 of 4 stars; one submission).

Conditions:
Lethal congenital contracture syndrome 11 (LCCS11). Identifiers: MedGen C4310670, MONDO:0014965, OMIM 617194.

Submission:

Juno Genomics, Hangzhou Juno Genomics, Inc
Classification: Likely pathogenic for Lethal congenital contracture syndrome 11. Review status: criteria provided, single submitter. Criteria: ACMG Guidelines, 2015. Collection method: clinical testing. Allele origin: germline. Affected: yes.
Comment: Null variant in a gene where loss of function (LOF) is a known mechanism of disease.;Absent from controls (or at extremely low frequency if recessive) in Genome Aggregation Database, Exome Sequencing Project, 1000 Genomes Project, or Exome Aggregation Consortium.;For recessive disorders, detected in trans with a pathogenic variant.;Patient's phenotype or family history is highly specific for a disease with a single genetic etiology.

NM_181789.4(GLDN):c.1143_1144del (p.Tyr382fs)

Gene: GLDN (gliomedin; plus strand). Cytogenetic location: 15q21.2.
Variant type: Microsatellite.
Coding change: c.1143_1144del on transcript NM_181789.4 (MANE Select); coding-DNA positions 1143 to 1144, 2 bases deleted (CT; older notation c.1143_1144delCT).
Protein change: p.Tyr382fs; shifts the reading frame from tyrosine 382.
Molecular consequence: frameshift variant.
Genome position (GRCh38, 1-based): chr15:51,401,708-51,401,709, CT deleted; deleting any 2 consecutive bases within chr15:51,401,702-51,401,709 gives the same sequence; the c. name uses the placement nearest the transcript's 3' end. VCF-style (leftmost placement, unchanged base first): chr15-51401701-ACT-A. GRCh37 (hg19) VCF-style: chr15-51693898-ACT-A.
Other names: c.771_772del, p.Tyr258fs (NM_001330297.2); short protein forms Y258fs, Y382fs.
Identifiers: ClinVar variation 3382964 (VCV003382964.2).